The following is an entry in ClinVar:

ClinVar aggregate classification (germline): Uncertain significance (1 of 4 stars; one submission).

Conditions:
Familial adenomatous polyposis 1 (FAP1). Also called: FAMILIAL ADENOMATOUS POLYPOSIS 1, ATTENUATED; POLYPOSIS, ADENOMATOUS INTESTINAL. Identifiers: MedGen C2713442, MONDO:0021056, OMIM 175100. Disease mechanism: loss of function.

Submission:

Labcorp Genetics (formerly Invitae), Labcorp
Classification: Uncertain significance for Familial adenomatous polyposis 1. Last evaluated: 2023-01-16. Review status: criteria provided, single submitter. Criteria: Invitae Variant Classification Sherloc (09022015). Collection method: clinical testing. Allele origin: germline.
Comment: In summary, the available evidence is currently insufficient to determine the role of this variant in disease. Therefore, it has been classified as a Variant of Uncertain Significance. Advanced modeling of protein sequence and biophysical properties (such as structural, functional, and spatial information, amino acid conservation, physicochemical variation, residue mobility, and thermodynamic stability) performed at Invitae indicates that this missense variant is not expected to disrupt APC protein function. This variant has not been reported in the literature in individuals affected with APC-related conditions. This variant is not present in population databases (gnomAD no frequency). This sequence change replaces serine, which is neutral and polar, with cysteine, which is neutral and slightly polar, at codon 2512 of the APC protein (p.Ser2512Cys).

NM_000038.6(APC):c.7534A>T (p.Ser2512Cys)

Gene: APC (APC regulator of Wnt signaling pathway; plus strand). Cytogenetic location: 5q22.2.
Variant type: single nucleotide variant.
Coding change: c.7534A>T on transcript NM_000038.6 (MANE Select); coding-DNA position 7534, A replaced by T.
Protein change: p.Ser2512Cys; replaces serine 2512 with cysteine.
Molecular consequence: missense variant. On other transcripts: non-coding transcript variant (2).
Genome position (GRCh38, 1-based): chr5:112,843,128, A>T. VCF-style: chr5-112843128-A-T. GRCh37 (hg19) VCF-style: chr5-112178825-A-T.
Other names: c.7564A>T, p.Ser2522Cys (NM_001354897.2); c.7459A>T, p.Ser2487Cys (NM_001354898.2); c.7450A>T, p.Ser2484Cys (NM_001354899.2); c.7534A>T, p.Ser2512Cys (NM_001354895.2, NM_001127510.3, NM_001407450.1); c.7480A>T, p.Ser2494Cys (NM_001127511.3); c.7588A>T, p.Ser2530Cys (NM_001354896.2, NM_001407447.1, NM_001407448.1 and 1 more transcripts); c.7411A>T, p.Ser2471Cys (NM_001354900.2); c.7357A>T, p.Ser2453Cys (NM_001354901.2, NM_001407453.1); and 11 more; short protein forms S2383C, S2487C, S2128C, S2229C, S2352C, S2429C, S2530C, S2386C.
Identifiers: ClinVar variation 2829049 (VCV002829049.3), dbSNP rs2149989101, ClinGen allele CA16037708.